The following is an entry in ClinVar:

NM_147127.5(EVC2):c.3361-2A>G

Gene: EVC2 (EvC ciliary complex subunit 2; minus strand). Cytogenetic location: 4p16.2.
Variant type: single nucleotide variant.
Coding change: c.3361-2A>G on transcript NM_147127.5 (MANE Select); the canonical splice acceptor site of the intron before coding-DNA position 3361, A replaced by G.
Molecular consequence: splice acceptor variant.
Genome position (GRCh38, 1-based): chr4:5,568,642, T>C on the plus strand (A>G on the coding strand, the complement: EVC2 is on the minus strand). VCF-style: chr4-5568642-T-C. GRCh37 (hg19) VCF-style: chr4-5570369-T-C.
Other names: c.3121-2A>G (NM_001166136.2).
Identifiers: ClinVar variation 848482 (VCV000848482.9), dbSNP rs1036371676, ClinGen allele CA91691516.

ClinVar aggregate classification (germline): Likely pathogenic (1 of 4 stars; one submission).

Conditions:
Ellis-van Creveld syndrome (EVC). Also called: MESOECTODERMAL DYSPLASIA; EVC-Related Ellis-van Creveld Syndrome; EVC2-Related Ellis-van Creveld Syndrome; Chondroectodermal dysplasia. Identifiers: Orphanet 289, MedGen C0013903, MONDO:0009162, OMIM 225500.
Curry-Hall syndrome (WAD). Also called: WEYERS ACRODENTAL DYSOSTOSIS. Identifiers: Orphanet 952, MedGen C0457013, MONDO:0008673, OMIM 193530.

Allele frequency attached by ClinVar (database versions not stated): gnomAD exomes below 0.00001; gnomAD 0.00001; TOPMed 0.00003.
gnomAD v4.1: 5 of 1,606,566 alleles (0.00031%); highest among the groups gnomAD compares: African/African-American, 0.0013%; no homozygotes.

Submission:

Labcorp Genetics (formerly Invitae), Labcorp
Classification: Likely pathogenic for Curry-Hall syndrome; Ellis-van Creveld syndrome. Last evaluated: 2019-01-23. Review status: criteria provided, single submitter. Criteria: Invitae Variant Classification Sherloc (09022015). Collection method: clinical testing. Allele origin: germline.
Comment: This sequence change affects an acceptor splice site in intron 19 of the EVC2 gene. It is expected to disrupt RNA splicing and likely results in an absent or disrupted protein product. This variant is not present in population databases (ExAC no frequency). This variant has not been reported in the literature in individuals with EVC2-related conditions. Donor and acceptor splice site variants typically lead to a loss of protein function (PMID: 16199547), and loss-of-function variants in EVC2 are known to be pathogenic (PMID: 17024374, 19810119, 19876929). In summary, the currently available evidence indicates that the variant is pathogenic, but additional data are needed to prove that conclusively. Therefore, this variant has been classified as Likely Pathogenic.

Literature cited by the submitters: PubMed 16199547; PubMed 17024374; PubMed 19810119; PubMed 19876929.